The following is an entry in ClinVar:

ClinVar aggregate classification (germline): Uncertain significance (1 of 4 stars; one submission).

Submission:

Labcorp Genetics (formerly Invitae), Labcorp
Classification: Uncertain significance. Last evaluated: 2022-05-18. Review status: criteria provided, single submitter. Criteria: Invitae Variant Classification Sherloc (09022015). Collection method: clinical testing. Allele origin: germline.
Comment: This sequence change replaces arginine, which is basic and polar, with serine, which is neutral and polar, at codon 154 of the KMT2C protein (p.Arg154Ser). This variant is not present in population databases (gnomAD no frequency). This variant has not been reported in the literature in individuals affected with KMT2C-related conditions. Algorithms developed to predict the effect of missense changes on protein structure and function output the following: SIFT: "Tolerated"; PolyPhen-2: "Benign"; Align-GVGD: "Class C0". The serine amino acid residue is found in multiple mammalian species, which suggests that this missense change does not adversely affect protein function. In summary, the available evidence is currently insufficient to determine the role of this variant in disease. Therefore, it has been classified as a Variant of Uncertain Significance.

NM_170606.3(KMT2C):c.462A>C (p.Arg154Ser)

Gene: KMT2C (lysine methyltransferase 2C; minus strand). Cytogenetic location: 7q36.1.
Variant type: single nucleotide variant.
Coding change: c.462A>C on transcript NM_170606.3 (MANE Select); coding-DNA position 462, A replaced by C.
Protein change: p.Arg154Ser; replaces arginine 154 with serine.
Molecular consequence: missense variant.
Genome position (GRCh38, 1-based): chr7:152,315,266, T>G on the plus strand (A>C on the coding strand, the complement: KMT2C is on the minus strand). VCF-style: chr7-152315266-T-G. GRCh37 (hg19) VCF-style: chr7-152012351-T-G.
Other names: short protein forms R154S.
Identifiers: ClinVar variation 2134618 (VCV002134618.4), dbSNP rs2486127994, ClinGen allele CA370197088.